The following is an entry in ClinVar:

ClinVar aggregate classification (germline): Benign/Likely benign. Review status: criteria provided, multiple submitters, no conflicts (2 of 4 stars). 5 submissions from 4 submitters: Benign (4); Likely benign (1). Last evaluated 2026-02-04.

Conditions:
Paget disease of bone 2, early-onset (PDB2). Also called: Paget disease of bone 2. Identifiers: MedGen C4085251, MONDO:0011183, OMIM 602080.
Autosomal recessive osteopetrosis 7. Identifiers: Orphanet 178389, MedGen C2676766, MONDO:0012859, OMIM 612301.

Allele frequency attached by ClinVar (database versions not stated): gnomAD exomes 0.00158 and 0.00719; gnomAD 0.00253 and 0.00259; 1000 Genomes Project 0.00399; 1000 Genomes Project 30x 0.00453; TOPMed 0.00500; ExAC 0.00539.
gnomAD v4.1: 2,665 of 1,613,968 alleles (0.17%); highest among the groups gnomAD compares: Admixed American, 4.2%; 79 homozygotes.

Submissions (5):

Labcorp Genetics (formerly Invitae), Labcorp
Classification: Benign. Last evaluated: 2026-02-04. Review status: criteria provided, single submitter. Criteria: Invitae Variant Classification Sherloc (09022015). Collection method: clinical testing. Allele origin: germline.

Blueprint Genetics
Classification: Likely benign. Last evaluated: 2024-11-15. Review status: criteria provided, single submitter. Criteria: ACMG Guidelines, 2015. Collection method: clinical testing. Allele origin: germline.

Illumina Laboratory Services, Illumina
Classification: Benign for Paget disease of bone 2, early-onset. Last evaluated: 2018-01-13. Review status: criteria provided, single submitter. Criteria: ICSL Variant Classification Criteria 13 December 2019. Collection method: clinical testing. Allele origin: germline.
Comment: This variant was observed in the ICSL laboratory as part of a predisposition screen in an ostensibly healthy population. It had not been previously curated by ICSL or reported in the Human Gene Mutation Database (HGMD: prior to June 1st, 2018), and was therefore a candidate for classification through an automated scoring system. Utilizing variant allele frequency, disease prevalence and penetrance estimates, and inheritance mode, an automated score was calculated to assess if this variant is too frequent to cause the disease. Based on the score and internal cut-off values, a variant classified as benign is not then subjected to further curation. The score for this variant resulted in a classification of benign for this disease.

Illumina Laboratory Services, Illumina
Classification: Benign for Autosomal recessive osteopetrosis 7. Last evaluated: 2018-01-13. Review status: criteria provided, single submitter. Criteria: ICSL Variant Classification Criteria 13 December 2019. Collection method: clinical testing. Allele origin: germline.
Comment: the same text as in the submission from Illumina Laboratory Services, Illumina above.

Eurofins Ntd Llc (ga)
Classification: Benign. Last evaluated: 2015-08-05. Review status: criteria provided, single submitter. Criteria: EGL Classification Definitions 2015. Collection method: clinical testing. Allele origin: germline. Observed: 1 variant allele, 1 heterozygote.

NM_003839.4(TNFRSF11A):c.625G>A (p.Val209Ile)

Gene: TNFRSF11A (TNF receptor superfamily member 11a; plus strand). Cytogenetic location: 18q21.33.
Variant type: single nucleotide variant.
Coding change: c.625G>A on transcript NM_003839.4 (MANE Select); coding-DNA position 625, G replaced by A.
Protein change: p.Val209Ile; replaces valine 209 with isoleucine.
Molecular consequence: missense variant. On other transcripts: intron variant (1).
Genome position (GRCh38, 1-based): chr18:62,361,688, G>A. VCF-style: chr18-62361688-G-A. GRCh37 (hg19) VCF-style: chr18-60028921-G-A.
Other names: c.625G>A, p.Val209Ile (NM_001270949.2, NM_001270950.2); c.583G>A, p.Val195Ile (NM_001278268.2); c.616+1639G>A (NM_001270951.2); short protein forms V209I, V195I.
Identifiers: ClinVar variation 282061 (VCV000282061.20), dbSNP rs146793660, ClinGen allele CA8983819.